The following is an entry in ClinVar:

NM_000051.4(ATM):c.5941A>G (p.Ser1981Gly)

Genes: ATM (ATM serine/threonine kinase; plus strand), C11orf65 (chromosome 11 open reading frame 65; minus strand). Cytogenetic location: 11q22.3.
Variant type: single nucleotide variant.
Coding change: c.5941A>G on transcript NM_000051.4 (MANE Select); coding-DNA position 5941, A replaced by G.
Protein change: p.Ser1981Gly; replaces serine 1981 with glycine.
Molecular consequence: missense variant. On other transcripts: intron variant (2).
Genome position (GRCh38, 1-based): chr11:108,312,433, A>G. VCF-style: chr11-108312433-A-G. GRCh37 (hg19) VCF-style: chr11-108183160-A-G.
Other names: c.5941A>G, p.Ser1981Gly (NM_001351834.2); c.641-3362T>C (NM_001330368.2); c.*39-3362T>C (NM_001351110.2); short protein forms S1981G.
Identifiers: ClinVar variation 5032142 (VCV005032142.1).

ClinVar aggregate classification (germline): Uncertain significance (1 of 4 stars; one submission).

Conditions:
Hereditary cancer-predisposing syndrome. Also called: Neoplastic Syndromes, Hereditary; Tumor predisposition; Hereditary neoplastic syndrome; Hereditary Cancer Syndrome. Identifiers: Orphanet 140162, MedGen C0027672, MeSH D009386, MONDO:0015356.

Submission:

Ambry Genetics
Classification: Uncertain significance for Hereditary cancer-predisposing syndrome. Last evaluated: 2026-08-18. Review status: criteria provided, single submitter. Criteria: Ambry Variant Classification Scheme 2023. Collection method: clinical testing. Allele origin: germline.
Comment: The p.S1981G variant (also known as c.5941A>G), located in coding exon 39 of the ATM gene, results from an A to G substitution at nucleotide position 5941. The serine at codon 1981 is replaced by glycine, an amino acid with similar properties. In an assay testing ATM function, this variant showed a functionally normal result (Lee KS et al. Cell, 2025 Sep;188:5081-5099.e27). This amino acid position is highly conserved in available vertebrate species. In addition, the in silico prediction for this alteration is inconclusive. Based on the available evidence, the clinical significance of this variant remains unclear.

Literature cited by the submitters: PubMed 40580951.